The following is an entry in ClinVar:

NM_001458.5(FLNC):c.3265G>A (p.Gly1089Arg)

Gene: FLNC (filamin C; plus strand). Cytogenetic location: 7q32.1.
Variant type: single nucleotide variant.
Coding change: c.3265G>A on transcript NM_001458.5 (MANE Select); coding-DNA position 3265, G replaced by A.
Protein change: p.Gly1089Arg; replaces glycine 1089 with arginine.
Molecular consequence: missense variant.
Genome position (GRCh38, 1-based): chr7:128,844,730, G>A. VCF-style: chr7-128844730-G-A. GRCh37 (hg19) VCF-style: chr7-128484784-G-A.
Other names: c.3265G>A, p.Gly1089Arg (NM_001127487.2); short protein forms G1089R.
Identifiers: ClinVar variation 539356 (VCV000539356.10), dbSNP rs1554399171, ClinGen allele CA369196333.

ClinVar aggregate classification (germline): Uncertain significance. Review status: criteria provided, multiple submitters, no conflicts (2 of 4 stars). 2 submissions from 2 submitters: Uncertain significance (2). Last evaluated 2025-07-17.

Conditions:
Distal myopathy with posterior leg and anterior hand involvement. Also called: WILLIAMS DISTAL MYOPATHY. Identifiers: Orphanet 63273, MedGen C3279722, MONDO:0013550, OMIM 614065.
Myofibrillar myopathy 5. Also called: Filaminopathy (type); FILAMINOPATHY, AUTOSOMAL DOMINANT. Identifiers: Orphanet 171445, MedGen C1836050, MONDO:0012289, OMIM 609524.
Hypertrophic cardiomyopathy 26. Also called: Cardiomyopathy, familial hypertrophic, 26. Identifiers: Orphanet 75249, MedGen C4310749, MONDO:0014883, OMIM 617047.

Submissions (2):

Women's Health and Genetics/Laboratory Corporation of America, LabCorp
Classification: Uncertain significance. Last evaluated: 2025-07-17. Review status: criteria provided, single submitter. Criteria: LabCorp Variant Classification Summary - May 2015. Collection method: clinical testing. Allele origin: germline.

Labcorp Genetics (formerly Invitae), Labcorp
Classification: Uncertain significance for Distal myopathy with posterior leg and anterior hand involvement; Myofibrillar myopathy 5; Hypertrophic cardiomyopathy 26. Last evaluated: 2017-10-10. Review status: criteria provided, single submitter. Criteria: Invitae Variant Classification Sherloc (09022015). Collection method: clinical testing. Allele origin: germline.
Comment: This sequence change replaces glycine with arginine at codon 1089 of the FLNC protein (p.Gly1089Arg). The glycine residue is moderately conserved and there is a moderate physicochemical difference between glycine and arginine. This variant is not present in population databases (ExAC no frequency). This variant has not been reported in the literature in individuals with FLNC-related disease. Algorithms developed to predict the effect of missense changes on protein structure and function do not agree on the potential impact of this missense change (SIFT: "Deleterious"; PolyPhen-2: "Probably Damaging"; Align-GVGD: "Class C0"). In summary, the available evidence is currently insufficient to determine the role of this variant in disease. Therefore, it has been classified as a Variant of Uncertain Significance.